The following is an entry in ClinVar:

NM_018127.7(ELAC2):c.29C>T (p.Ser10Phe)

Gene: ELAC2 (elaC ribonuclease Z 2; minus strand). Cytogenetic location: 17p12.
Variant type: single nucleotide variant.
Coding change: c.29C>T on transcript NM_018127.7 (MANE Select); coding-DNA position 29, C replaced by T.
Protein change: p.Ser10Phe; replaces serine 10 with phenylalanine.
Molecular consequence: missense variant.
Genome position (GRCh38, 1-based): chr17:13,017,919, G>A on the plus strand (C>T on the coding strand, the complement: ELAC2 is on the minus strand). VCF-style: chr17-13017919-G-A. GRCh37 (hg19) VCF-style: chr17-12921236-G-A.
Other names: c.29C>T, p.Ser10Phe (NM_001165962.2, NM_173717.2); short protein forms S10F.
Identifiers: ClinVar variation 1500332 (VCV001500332.6), dbSNP rs2143698286, ClinGen allele CA398219445.
Genomic context (GRCh38, chr17:13,017,919, plus strand): 5'-TCGCGGCGGGCGGGTGCCTGCGATATGGTGCGTCCCTGCGACATGGTGCGTCCGGCCGCG[G>A]ACCGCAGCAGCGAGCAAAGCGCCCACATGCGCCCGTCTCCACCAAAACTGAGAAAGCCGC-3'
Protein context (NP_060597.4, residues 1-20): MWALCSLLR[Ser10Phe]AAGRTMSQGR

ClinVar aggregate classification (germline): Uncertain significance (1 of 4 stars; one submission).

Conditions:
Combined oxidative phosphorylation defect type 17. Also called: Combined oxidative phosphorylation deficiency 17. Identifiers: Orphanet 369913, MedGen C3809526, MONDO:0014190, OMIM 615440.

Submission:

Labcorp Genetics (formerly Invitae), Labcorp
Classification: Uncertain significance for Combined oxidative phosphorylation defect type 17. Last evaluated: 2022-03-18. Review status: criteria provided, single submitter. Criteria: Invitae Variant Classification Sherloc (09022015). Collection method: clinical testing. Allele origin: germline.
Comment: This sequence change replaces serine, which is neutral and polar, with phenylalanine, which is neutral and non-polar, at codon 10 of the ELAC2 protein (p.Ser10Phe). In summary, the available evidence is currently insufficient to determine the role of this variant in disease. Therefore, it has been classified as a Variant of Uncertain Significance. Algorithms developed to predict the effect of missense changes on protein structure and function (SIFT, PolyPhen-2, Align-GVGD) all suggest that this variant is likely to be tolerated. This variant has not been reported in the literature in individuals affected with ELAC2-related conditions. This variant is not present in population databases (gnomAD no frequency).